The following is an entry in ClinVar:

ClinVar aggregate classification (germline): Uncertain significance. Review status: criteria provided, multiple submitters, no conflicts (2 of 4 stars). 3 submissions from 3 submitters: Uncertain significance (2). 1 of the submissions does not count toward it. Last evaluated 2025-06-02.

Conditions:
Hereditary cancer-predisposing syndrome. Also called: Neoplastic Syndromes, Hereditary; Hereditary Cancer Syndrome; Tumor predisposition; Hereditary neoplastic syndrome. Identifiers: Orphanet 140162, MedGen C0027672, MeSH D009386, MONDO:0015356.
Ataxia-telangiectasia syndrome (AT). Also called: LOUIS-BAR SYNDROME; Cerebello-oculocutaneous telangiectasia; Immunodeficiency with ataxia telangiectasia; Ataxia-telangiectasia, complementation group D; AT, COMPLEMENTATION GROUP C; Ataxia-telangiectasia, complementation group E. Identifiers: Orphanet 100, MedGen C0004135, MONDO:0008840, OMIM 208900.

Submissions (3):

Labcorp Genetics (formerly Invitae), Labcorp
Classification: Uncertain significance for Ataxia-telangiectasia syndrome. Last evaluated: 2025-06-02. Review status: criteria provided, single submitter. Criteria: Invitae Variant Classification Sherloc (09022015). Collection method: clinical testing. Allele origin: germline.
Comment: This sequence change replaces glutamine, which is neutral and polar, with arginine, which is basic and polar, at codon 2590 of the ATM protein (p.Gln2590Arg). This variant is not present in population databases (gnomAD no frequency). This variant has not been reported in the literature in individuals affected with ATM-related conditions. ClinVar contains an entry for this variant (Variation ID: 479030). Invitae Evidence Modeling of protein sequence and biophysical properties (such as structural, functional, and spatial information, amino acid conservation, physicochemical variation, residue mobility, and thermodynamic stability) indicates that this missense variant is not expected to disrupt ATM protein function with a negative predictive value of 95%. In summary, the available evidence is currently insufficient to determine the role of this variant in disease. Therefore, it has been classified as a Variant of Uncertain Significance.

Ambry Genetics
Classification: Uncertain significance for Hereditary cancer-predisposing syndrome. Last evaluated: 2016-09-30. Review status: criteria provided, single submitter. Criteria: Ambry Variant Classification Scheme 2023. Collection method: clinical testing. Allele origin: germline.
Comment: The p.Q2590R variant (also known as c.7769A>G), located in coding exon 51 of the ATM gene, results from an A to G substitution at nucleotide position 7769. The glutamine at codon 2590 is replaced by arginine, an amino acid with highly similar properties. This variant was not reported in population based cohorts in the following databases: Database of Single Nucleotide Polymorphisms (dbSNP), NHLBI Exome Sequencing Project (ESP), and 1000 Genomes Project. In the ESP, this variant was not observed in 6499 samples (12998 alleles) with coverage at this position. To date, this alteration has been detected with an allele frequency of approximately 0.001% (greater than 180000 alleles tested) in our clinical cohort. This amino acid position is not well conserved in available vertebrate species. In addition, this alteration is predicted to be tolerated by in silico analysis. Since supporting evidence is limited at this time, the clinical significance of this alteration remains unclear.

Natera, Inc.
Classification: Uncertain significance for Ataxia-telangiectasia. Last evaluated: 2021-04-05. Review status: no assertion criteria provided. Collection method: clinical testing. Allele origin: germline. Not counted in ClinVar's aggregate classification.

NM_000051.4(ATM):c.7769A>G (p.Gln2590Arg)

Genes: ATM (ATM serine/threonine kinase; plus strand), C11orf65 (chromosome 11 open reading frame 65; minus strand). Cytogenetic location: 11q22.3.
Variant type: single nucleotide variant.
Coding change: c.7769A>G on transcript NM_000051.4 (MANE Select); coding-DNA position 7769, A replaced by G.
Protein change: p.Gln2590Arg; replaces glutamine 2590 with arginine.
Molecular consequence: missense variant. On other transcripts: intron variant (2).
Genome position (GRCh38, 1-based): chr11:108,332,018, A>G. VCF-style: chr11-108332018-A-G. GRCh37 (hg19) VCF-style: chr11-108202745-A-G.
Other names: c.7769A>G, p.Gln2590Arg (NM_001351834.2); c.641-22947T>C (NM_001330368.2); c.*38+3202T>C (NM_001351110.2); short protein forms Q2590R.
Identifiers: ClinVar variation 479030 (VCV000479030.11), dbSNP rs1555124706, ClinGen allele CA382561183.